The following is an entry in ClinVar:

NM_007294.4(BRCA1):c.2922A>C (p.Leu974Phe)

Gene: BRCA1 (BRCA1 DNA repair associated; minus strand). Cytogenetic location: 17q21.31.
Variant type: single nucleotide variant.
Coding change: c.2922A>C on transcript NM_007294.4 (MANE Select); coding-DNA position 2922, A replaced by C.
Protein change: p.Leu974Phe; replaces leucine 974 with phenylalanine.
Molecular consequence: missense variant. On other transcripts: intron variant (137).
Genome position (GRCh38, 1-based): chr17:43,092,609, T>G on the plus strand (A>C on the coding strand, the complement: BRCA1 is on the minus strand). VCF-style: chr17-43092609-T-G. GRCh37 (hg19) VCF-style: chr17-41244626-T-G.
Other names: c.2709A>C, p.Leu903Phe (NM_001407571.1, NM_001407853.1, NM_001407894.1 and 9 more transcripts); c.2922A>C, p.Leu974Phe (NM_001407581.1, NM_001407582.1, NM_001407583.1 and 30 more transcripts); c.2919A>C, p.Leu973Phe (NM_001407587.1, NM_001407590.1, NM_001407591.1 and 22 more transcripts); c.2913A>C, p.Leu971Phe (NM_001407646.1, NM_001407647.1); c.2799A>C, p.Leu933Phe (NM_001407648.1, NM_001407664.1, NM_001407665.1 and 19 more transcripts); c.2796A>C, p.Leu932Phe (NM_001407649.1, NM_001407670.1, NM_001407671.1 and 11 more transcripts); c.2844A>C, p.Leu948Phe (NM_001407663.1, NM_001407653.1, NM_001407654.1 and 4 more transcripts); c.2781A>C, p.Leu927Phe (NM_001407727.1, NM_001407728.1, NM_001407729.1 and 29 more transcripts); and 41 more; short protein forms L974F, L927F, L862F, L863F, L885F, L907F, L948F, L806F.
Identifiers: ClinVar variation 182151 (VCV000182151.17), dbSNP rs730881487, ClinGen allele CA001910.
Genomic context (GRCh38, chr17:43,092,609, plus strand): 5'-ACATTTAGTTTTAACAAATGACTTGATGGGAAAAAGTGGTGGTATACGATATGGGTTTTG[T>G]AAAAGTCCATGTTTATTTGGAGTAATGAGTCCAGTTTCGTTGCCTCTGAACTGAGATGAT-3'
Protein context (NP_009225.1, residues 964-984): GLITPNKHGL[Leu974Phe]QNPYRIPPLF

ClinVar aggregate classification (germline): Conflicting classifications of pathogenicity. Review status: criteria provided, conflicting classifications (1 of 4 stars). 4 submissions from 4 submitters: Uncertain significance (2); Likely benign (1). 1 of the submissions does not count toward it. Last evaluated 2024-08-07.

Conditions:
Hereditary breast ovarian cancer syndrome. Also called: Hereditary breast and ovarian cancer syndrome; Hereditary breast and ovarian cancer syndrome (HBOC); BRCA1- and BRCA2-Associated Hereditary Breast and Ovarian Cancer; Breast and ovarian cancer; Hereditary breast and ovarian cancer; Hereditary breast and/or ovarian cancer syndrome. Identifiers: Orphanet 145, MedGen C0677776, MeSH D061325, MONDO:0003582. Disease mechanism: loss of function.
Breast-ovarian cancer, familial, susceptibility to, 1 (BROVCA1). Also called: OVARIAN CANCER, SUSCEPTIBILITY TO; BRCA1 Hereditary Breast and Ovarian Cancer. Identifiers: Orphanet 145, MedGen C2676676, MONDO:0011450, OMIM 604370. Disease mechanism: loss of function.
Hereditary cancer-predisposing syndrome. Also called: Hereditary Cancer Syndrome; Hereditary neoplastic syndrome; Tumor predisposition; Neoplastic Syndromes, Hereditary. Identifiers: Orphanet 140162, MedGen C0027672, MeSH D009386, MONDO:0015356.

Submissions (4):

Ambry Genetics
Classification: Uncertain significance for Hereditary cancer-predisposing syndrome. Last evaluated: 2024-08-07. Review status: criteria provided, single submitter. Criteria: Ambry Variant Classification Scheme 2023. Collection method: clinical testing. Allele origin: germline.
Comment: The p.L974F variant (also known as c.2922A>C), located in coding exon 9 of the BRCA1 gene, results from an A to C substitution at nucleotide position 2922. The leucine at codon 974 is replaced by phenylalanine, an amino acid with highly similar properties. This amino acid position is poorly conserved in available vertebrate species. In addition, this alteration is predicted to be tolerated by in silico analysis. Based on the available evidence, the clinical significance of this variant remains unclear.

Labcorp Genetics (formerly Invitae), Labcorp
Classification: Uncertain significance for Hereditary breast ovarian cancer syndrome. Last evaluated: 2023-11-09. Review status: criteria provided, single submitter. Criteria: Invitae Variant Classification Sherloc (09022015). Collection method: clinical testing. Allele origin: germline.
Comment: This sequence change replaces leucine, which is neutral and non-polar, with phenylalanine, which is neutral and non-polar, at codon 974 of the BRCA1 protein (p.Leu974Phe). This variant is not present in population databases (gnomAD no frequency). This variant has not been reported in the literature in individuals affected with BRCA1-related conditions. ClinVar contains an entry for this variant (Variation ID: 182151). Advanced modeling of protein sequence and biophysical properties (such as structural, functional, and spatial information, amino acid conservation, physicochemical variation, residue mobility, and thermodynamic stability) performed at Invitae indicates that this missense variant is not expected to disrupt BRCA1 protein function with a negative predictive value of 95%. In summary, the available evidence is currently insufficient to determine the role of this variant in disease. Therefore, it has been classified as a Variant of Uncertain Significance.

University of Washington Department of Laboratory Medicine, University of Washington
Classification: Likely benign for Hereditary cancer-predisposing syndrome. Last evaluated: 2023-03-23. Review status: criteria provided, single submitter. Criteria: Dines et al. (Genet Med. 2020). Collection method: curation. Allele origin: germline.
Comment: Missense variant in a coldspot region where missense variants are very unlikely to be pathogenic (PMID:31911673).

BRCA1 coldspot (exon 11 using historical exon numbering). Reclassification based on statistical prior probability

Counsyl
Classification: Uncertain significance for Breast-ovarian cancer, familial, susceptibility to, 1. Last evaluated: 2016-10-27. Review status: no assertion criteria provided. Collection method: clinical testing. Allele origin: unknown. Not counted in ClinVar's aggregate classification.